The following is an entry in ClinVar:

ClinVar aggregate classification (germline): Pathogenic (1 of 4 stars; one submission).

Conditions:
Aicardi-Goutieres syndrome 5. Identifiers: Orphanet 51, MedGen C2749659, MONDO:0013059, OMIM 612952.

Submission:

Labcorp Genetics (formerly Invitae), Labcorp
Classification: Pathogenic for Aicardi-Goutieres syndrome 5. Last evaluated: 2024-07-25. Review status: criteria provided, single submitter. Criteria: Invitae Variant Classification Sherloc (09022015). Collection method: clinical testing. Allele origin: germline.
Comment: This sequence change creates a premature translational stop signal (p.Arg305Glyfs*6) in the SAMHD1 gene. It is expected to result in an absent or disrupted protein product. Loss-of-function variants in SAMHD1 are known to be pathogenic (PMID: 19525956, 22461318). This variant is not present in population databases (gnomAD no frequency). This variant has not been reported in the literature in individuals affected with SAMHD1-related conditions. Algorithms developed to predict the effect of sequence changes on RNA splicing suggest that this variant may disrupt the consensus splice site. For these reasons, this variant has been classified as Pathogenic.

Literature cited by the submitters: PubMed 19525956; PubMed 22461318.

NM_015474.4(SAMHD1):c.912_913insGGGA (p.Arg305fs)

Gene: SAMHD1 (SAM and HD domain containing deoxynucleoside triphosphate triphosphohydrolase 1; minus strand). Cytogenetic location: 20q11.23.
Variant type: Insertion.
Coding change: c.912_913insGGGA on transcript NM_015474.4 (MANE Select); coding-DNA positions 912 to 913, GGGA inserted.
Protein change: p.Arg305fs; shifts the reading frame from arginine 305.
Molecular consequence: frameshift variant.
Genome position: GRCh38 VCF-style: chr20-36916989-T-TTCCC. GRCh37 (hg19) VCF-style: chr20-35545392-T-TTCCC.
Other names: c.912_913insGGGA, p.Arg305fs (NM_001363729.2, NM_001363733.2); short protein forms R305fs.
Identifiers: ClinVar variation 3660611 (VCV003660611.2).